The following is an entry in ClinVar:

ClinVar aggregate classification (germline): Uncertain significance (1 of 4 stars; one submission).

Allele frequency attached by ClinVar (database versions not stated): gnomAD exomes 0.00002; TOPMed 0.00002; gnomAD 0.00003.
gnomAD v4.1: 32 of 1,534,250 alleles (0.0021%); highest among the groups gnomAD compares: East Asian, 0.08%; 1 homozygote.

Submission:

Labcorp Genetics (formerly Invitae), Labcorp
Classification: Uncertain significance. Last evaluated: 2022-08-22. Review status: criteria provided, single submitter. Criteria: Invitae Variant Classification Sherloc (09022015). Collection method: clinical testing. Allele origin: germline.
Comment: This variant has not been reported in the literature in individuals affected with WNT1-related conditions. In summary, the available evidence is currently insufficient to determine the role of this variant in disease. Therefore, it has been classified as a Variant of Uncertain Significance. Algorithms developed to predict the effect of missense changes on protein structure and function (SIFT, PolyPhen-2, Align-GVGD) all suggest that this variant is likely to be disruptive. This variant is present in population databases (rs780565493, gnomAD 0.06%). This sequence change replaces glutamic acid, which is acidic and polar, with glutamine, which is neutral and polar, at codon 343 of the WNT1 protein (p.Glu343Gln).

NM_005430.4(WNT1):c.1027G>C (p.Glu343Gln)

Gene: WNT1 (Wnt family member 1; plus strand). Cytogenetic location: 12q13.12.
Variant type: single nucleotide variant.
Coding change: c.1027G>C on transcript NM_005430.4 (MANE Select); coding-DNA position 1027, G replaced by C.
Protein change: p.Glu343Gln; replaces glutamic acid 343 with glutamine.
Molecular consequence: missense variant.
Genome position (GRCh38, 1-based): chr12:48,981,554, G>C. VCF-style: chr12-48981554-G-C. GRCh37 (hg19) VCF-style: chr12-49375337-G-C.
Other names: short protein forms E343Q.
Identifiers: ClinVar variation 2181477 (VCV002181477.3), dbSNP rs780565493, ClinGen allele CA6544499.